The following is an entry in ClinVar:

NM_001367805.3(KIF23):c.2179C>T (p.Arg727Cys)

Gene: KIF23 (kinesin family member 23; plus strand). Cytogenetic location: 15q23.
Variant type: single nucleotide variant.
Coding change: c.2179C>T on transcript NM_001367805.3 (MANE Select); coding-DNA position 2179, C replaced by T.
Protein change: p.Arg727Cys; replaces arginine 727 with cysteine.
Molecular consequence: missense variant. On other transcripts: non-coding transcript variant (1), intron variant (1).
Genome position (GRCh38, 1-based): chr15:69,440,837, C>T. VCF-style: chr15-69440837-C-T. GRCh37 (hg19) VCF-style: chr15-69733176-C-T.
Other names: c.1807C>T, p.Arg603Cys (NM_001281301.2); c.2137C>T, p.Arg713Cys (NM_001367804.2, NM_138555.4); c.2067+350C>T (NM_004856.7); c.2137C>T (NM_138555.2); short protein forms R603C, R713C, R727C.
Identifiers: ClinVar variation 2164946 (VCV002164946.5), dbSNP rs377365853, ClinGen allele CA7635343.

ClinVar aggregate classification (germline): Uncertain significance. Review status: criteria provided, multiple submitters, no conflicts (2 of 4 stars). 2 submissions from 2 submitters: Uncertain significance (2). Last evaluated 2025-07-06.

Allele frequency attached by ClinVar (database versions not stated): TOPMed 0.00007; ExAC 0.00008; ESP Exome Variant Server 0.00008; gnomAD 0.00009; gnomAD exomes 0.00013.

Submissions (2):

Labcorp Genetics (formerly Invitae), Labcorp
Classification: Uncertain significance. Last evaluated: 2025-07-06. Review status: criteria provided, single submitter. Criteria: Invitae Variant Classification Sherloc (09022015). Collection method: clinical testing. Allele origin: germline.
Comment: This sequence change replaces arginine, which is basic and polar, with cysteine, which is neutral and slightly polar, at codon 713 of the KIF23 protein (p.Arg713Cys). This variant is present in population databases (rs377365853, gnomAD 0.02%). This variant has not been reported in the literature in individuals affected with KIF23-related conditions. ClinVar contains an entry for this variant (Variation ID: 2164946). An algorithm developed to predict the effect of missense changes on protein structure and function outputs the following: PolyPhen-2: "Benign". The cysteine amino acid residue is found in multiple mammalian species, which suggests that this missense change does not adversely affect protein function. In summary, the available evidence is currently insufficient to determine the role of this variant in disease. Therefore, it has been classified as a Variant of Uncertain Significance.

Ambry Genetics
Classification: Uncertain significance. Last evaluated: 2024-02-13. Review status: criteria provided, single submitter. Criteria: Ambry Variant Classification Scheme 2023. Collection method: clinical testing. Allele origin: germline.